The following is an entry in ClinVar:

NM_000429.3(MAT1A):c.896G>A (p.Arg299His)

Gene: MAT1A (methionine adenosyltransferase 1A; minus strand). Cytogenetic location: 10q22.3.
Variant type: single nucleotide variant.
Coding change: c.896G>A on transcript NM_000429.3 (MANE Select); coding-DNA position 896, G replaced by A.
Protein change: p.Arg299His; replaces arginine 299 with histidine.
Molecular consequence: missense variant.
Genome position (GRCh38, 1-based): chr10:80,275,072, C>T on the plus strand (G>A on the coding strand, the complement: MAT1A is on the minus strand). VCF-style: chr10-80275072-C-T. GRCh37 (hg19) VCF-style: chr10-82034828-C-T.
Other names: short protein forms R299H.
Identifiers: ClinVar variation 858071 (VCV000858071.9), dbSNP rs373792557, ClinGen allele CA5576672.

ClinVar aggregate classification (germline): Likely pathogenic (1 of 4 stars; one submission).

Conditions:
Hepatic methionine adenosyltransferase deficiency. Also called: Methionine adenosyltransferase deficiency; MAT I/III DEFICIENCY; Isolated Persistent Hypermethioninemia; Deficiency of methionine adenosyltransferase. Identifiers: Orphanet 168598, MedGen C0268621, MeSH C564683, MONDO:0009607, OMIM 250850.

Allele frequency attached by ClinVar (database versions not stated): gnomAD exomes 0.00001 and 0.00002; gnomAD 0.00002; TOPMed 0.00002; ExAC 0.00004; ESP Exome Variant Server 0.00008.

Submission:

Labcorp Genetics (formerly Invitae), Labcorp
Classification: Likely pathogenic for Hepatic methionine adenosyltransferase deficiency. Last evaluated: 2021-10-25. Review status: criteria provided, single submitter. Criteria: Invitae Variant Classification Sherloc (09022015). Collection method: clinical testing. Allele origin: germline.
Comment: This missense change has been observed in individuals with autosomal recessive hypermethioninemia (PMID: 20675163, 32496220). This variant is present in population databases (rs373792557, ExAC 0.007%). This sequence change replaces arginine with histidine at codon 299 of the MAT1A protein (p.Arg299His). The arginine residue is highly conserved and there is a small physicochemical difference between arginine and histidine. ClinVar contains an entry for this variant (Variation ID: 858071). In summary, the currently available evidence indicates that the variant is pathogenic, but additional data are needed to prove that conclusively. Therefore, this variant has been classified as Likely Pathogenic. This variant disrupts the p.Arg299 amino acid residue in MAT1A. Other variant(s) that disrupt this residue have been determined to be pathogenic (PMID: 20675163, 26933843). This suggests that this residue is clinically significant, and that variants that disrupt this residue are likely to be disease-causing. Experimental studies have shown that this missense change affects MAT1A function (PMID: 20675163). Algorithms developed to predict the effect of missense changes on protein structure and function (SIFT, PolyPhen-2, Align-GVGD) all suggest that this variant is likely to be disruptive.

Literature cited by the submitters: PubMed 20675163; PubMed 32496220; PubMed 26933843.